The following is an entry in ClinVar:

ClinVar aggregate classification (germline): Uncertain significance (1 of 4 stars; one submission).

Conditions:
Progressive encephalopathy with leukodystrophy due to DECR deficiency. Identifiers: Orphanet 431361, MedGen C1857252, MONDO:0014464, OMIM 616034.

Allele frequency attached by ClinVar (database versions not stated): gnomAD exomes below 0.00001.
gnomAD v4.1: 2 of 1,264,608 alleles (0.00016%); highest among the groups gnomAD compares: Admixed American, 0.0035%; no homozygotes.

Submission:

Labcorp Genetics (formerly Invitae), Labcorp
Classification: Uncertain significance for Progressive encephalopathy with leukodystrophy due to DECR deficiency. Last evaluated: 2024-09-05. Review status: criteria provided, single submitter. Criteria: Invitae Variant Classification Sherloc (09022015). Collection method: clinical testing. Allele origin: germline.
Comment: This sequence change replaces alanine, which is neutral and non-polar, with glutamic acid, which is acidic and polar, at codon 22 of the NADK2 protein (p.Ala22Glu). The frequency data for this variant in the population databases is considered unreliable, as metrics indicate poor data quality at this position in the gnomAD database. This variant has not been reported in the literature in individuals affected with NADK2-related conditions. An algorithm developed to predict the effect of missense changes on protein structure and function (PolyPhen-2) suggests that this variant is likely to be tolerated. In summary, the available evidence is currently insufficient to determine the role of this variant in disease. Therefore, it has been classified as a Variant of Uncertain Significance.

NM_001085411.3(NADK2):c.65C>A (p.Ala22Glu)

Genes: NADK2 (NAD kinase 2, mitochondrial; minus strand), LOC129993801 (ATAC-STARR-seq lymphoblastoid silent region 15972; plus strand). Cytogenetic location: 5p13.2.
Variant type: single nucleotide variant.
Coding change: c.65C>A on transcript NM_001085411.3 (MANE Select); coding-DNA position 65, C replaced by A.
Protein change: p.Ala22Glu; replaces alanine 22 with glutamic acid.
Molecular consequence: missense variant. On other transcripts: intron variant (2).
Genome position (GRCh38, 1-based): chr5:36,241,734, G>T on the plus strand (C>A on the coding strand, the complement: NADK2 is on the minus strand). VCF-style: chr5-36241734-G-T. GRCh37 (hg19) VCF-style: chr5-36241836-G-T.
Other names: c.-190+362C>A (NM_153013.5, NM_001287341.2); short protein forms A22E.
Identifiers: ClinVar variation 2720305 (VCV002720305.3), dbSNP rs1306538889, ClinGen allele CA359448069.